The following is an entry in ClinVar:

NM_194294.5(IDO2):c.703C>T (p.Arg235Trp)

Gene: IDO2 (indoleamine 2,3-dioxygenase 2; plus strand). Cytogenetic location: 8p11.21.
Variant type: single nucleotide variant.
Coding change: c.703C>T on transcript NM_194294.5 (MANE Select); coding-DNA position 703, C replaced by T.
Protein change: p.Arg235Trp; replaces arginine 235 with tryptophan.
Molecular consequence: missense variant.
Genome position (GRCh38, 1-based): chr8:40,005,362, C>T. VCF-style: chr8-40005362-C-T. GRCh37 (hg19) VCF-style: chr8-39862881-C-T.
Other names: c.703C>T, p.Arg235Trp (NM_001395206.1); short protein forms R235W.
Identifiers: ClinVar variation 1275323 (VCV001275323.3), dbSNP rs10109853, ClinGen allele CA4725258.

ClinVar aggregate classification (germline): Benign. Review status: criteria provided, multiple submitters, no conflicts (2 of 4 stars). 2 submissions from 2 submitters: Benign (2). Last evaluated 2019-01-10.

Allele frequency attached by ClinVar (database versions not stated): 1000 Genomes Project 30x 0.41583; 1000 Genomes Project 0.41813; TOPMed 0.44546; ESP Exome Variant Server 0.45924; gnomAD 0.45999 and 0.46196; gnomAD exomes 0.48146 and 0.50118; ExAC 0.48431.
gnomAD v4.1: 771,238 of 1,553,334 alleles (50%); highest among the groups gnomAD compares: South Asian, 53%; 195,804 homozygotes.

Submissions (2):

GeneDx
Classification: Benign. Last evaluated: 2019-01-10. Review status: criteria provided, single submitter. Criteria: GeneDx Variant Classification Process June 2021. Collection method: clinical testing. Allele origin: germline. Affected: yes.
Comment: This variant is associated with the following publications: (PMID: 24604202, 17671174)

Breakthrough Genomics
Classification: Benign. Review status: criteria provided, single submitter. Criteria: ACMG Guidelines, 2015. Collection method: not provided. Allele origin: germline. Inheritance: Unknown mechanism. Affected: yes.